The following is an entry in ClinVar:

ClinVar aggregate classification (germline): Uncertain significance (1 of 4 stars; one submission).

Submission:

Dasa
Classification: Uncertain significance. Last evaluated: 2024-09-03. Review status: criteria provided, single submitter. Criteria: DASA Assertion Criteria. Collection method: clinical testing. Allele origin: germline.
Comment: NM_004456.5(EZH2):c.1269A>G (p.Ile423Met) is a missense variant that results in the substitution of isoleucine with methionine. This variant is absent from population databases. Computational prediction algorithms are consistent with a benign effect. The currently available literature and clinical evidence are not sufficient to establish a definitive association between this variant and the reported condition. Therefore, this variant is classified as a variant of uncertain significance.

NM_004456.5(EZH2):c.1269A>G (p.Ile423Met)

Gene: EZH2 (enhancer of zeste 2 polycomb repressive complex 2 subunit; minus strand). Cytogenetic location: 7q36.1.
Variant type: single nucleotide variant.
Coding change: c.1269A>G on transcript NM_004456.5 (MANE Select); coding-DNA position 1269, A replaced by G.
Protein change: p.Ile423Met; replaces isoleucine 423 with methionine.
Molecular consequence: missense variant.
Genome position (GRCh38, 1-based): chr7:148,817,363, T>C on the plus strand (A>G on the coding strand, the complement: EZH2 is on the minus strand). VCF-style: chr7-148817363-T-C. GRCh37 (hg19) VCF-style: chr7-148514455-T-C.
Other names: c.1254A>G, p.Ile418Met (NM_001203247.2); c.1227A>G, p.Ile409Met (NM_001203248.2, NM_001203249.2); c.1137A>G, p.Ile379Met (NM_152998.3); short protein forms I379M, I409M, I418M, I423M.
Identifiers: ClinVar variation 5021078 (VCV005021078.1).